The following is an entry in ClinVar:

NM_006947.4(SRP72):c.*637TA[11]

Gene: SRP72 (signal recognition particle 72; plus strand). Cytogenetic location: 4q12.
Variant type: Microsatellite.
Coding change: c.*637TA[11] on transcript NM_006947.4 (MANE Select); 11 copies in a row of the 2-base unit TA starting at c.*637; the reference has eight copies in a row; three copies, 6 bases duplicated.
Molecular consequence: 3 prime UTR variant. On other transcripts: non-coding transcript variant (1).
Genome position (GRCh38, 1-based): chr4:56,502,508-56,502,513, TATATA duplicated; duplicating any 6 consecutive bases within chr4:56,502,497-56,502,513 gives the same sequence; the position shown is the placement nearest the transcript's 3' end. VCF-style (leftmost placement, unchanged base first): chr4-56502496-C-CATATAT. GRCh37 (hg19) VCF-style: chr4-57368662-C-CATATAT.
Other names: c.*637TA[11] (NM_001267722.2).
Identifiers: ClinVar variation 349152 (VCV000349152.29), dbSNP rs35852754, ClinGen allele CA10617988.

ClinVar aggregate classification (germline): Benign (1 of 4 stars; one submission).

Submission:

CeGaT Center for Human Genetics Tuebingen
Classification: Benign. Last evaluated: 2022-08-01. Review status: criteria provided, single submitter. Criteria: CeGaT Center For Human Genetics Tuebingen Variant Classification Criteria Version 2. Collection method: clinical testing. Allele origin: germline. Affected: yes. Observed: 1 variant allele.
Comment: SRP72: BS1, BS2